The following is an entry in ClinVar:

ClinVar aggregate classification (germline): Pathogenic/Likely pathogenic. Review status: criteria provided, multiple submitters, no conflicts (2 of 4 stars). 4 submissions from 4 submitters: Pathogenic (2); Likely pathogenic (2). Last evaluated 2024-08-06.

Conditions:
Syndromic intellectual disability. Also called: Intellectual disability syndrome. Identifiers: Orphanet 183763, MedGen C5680525, MONDO:0000508.

Allele frequency attached by ClinVar (database versions not stated): ExAC 0.00001.

Submissions (4):

GeneDx
Classification: Pathogenic. Last evaluated: 2024-08-06. Review status: criteria provided, single submitter. Criteria: GeneDx Variant Classification Process June 2021. Collection method: clinical testing. Allele origin: germline. Affected: yes.
Comment: Nonsense variant predicted to result in protein truncation or nonsense mediated decay in a gene for which loss of function is a known mechanism of disease; Not observed at significant frequency in large population cohorts (gnomAD); This variant is associated with the following publications: (PMID: 28708303, 30568311, 29209020)

Labcorp Genetics (formerly Invitae), Labcorp
Classification: Pathogenic. Last evaluated: 2023-10-06. Review status: criteria provided, single submitter. Criteria: Invitae Variant Classification Sherloc (09022015). Collection method: clinical testing. Allele origin: germline.
Comment: This sequence change creates a premature translational stop signal (p.Arg1298*) in the PHIP gene. It is expected to result in an absent or disrupted protein product. Loss-of-function variants in PHIP are known to be pathogenic (PMID: 27900362). This variant is not present in population databases (gnomAD no frequency). This premature translational stop signal has been observed in individual(s) with PHIP-related disorders (PMID: 28708303, 29209020). ClinVar contains an entry for this variant (Variation ID: 431155). For these reasons, this variant has been classified as Pathogenic.

Clinical Genetics Laboratory, Skane University Hospital Lund
Classification: Likely pathogenic. Last evaluated: 2022-05-27. Review status: criteria provided, single submitter. Criteria: ACMG Guidelines, 2015. Collection method: clinical testing. Allele origin: germline. Affected: yes.

Groupe Hospitalier Pitie Salpetriere, Uf Genomique Du Developpement, Assistance Publique Hopitaux de Paris Sorbonne Université
Classification: Likely pathogenic for intellectual disability, syndromic. Last evaluated: 2017-01-06. Review status: criteria provided, single submitter. Criteria: ACMG Guidelines, 2015. Collection method: clinical testing. Allele origin: de novo. Affected: yes. Observed: 1 variant allele.

Literature cited by the submitters: PubMed 27900362 (cited by Labcorp Genetics (formerly Invitae), Labcorp and Groupe Hospitalier Pitie Salpetriere, Uf Genomique Du Developpement, Assistance Publique Hopitaux de Paris Sorbonne Université); PubMed 28708303 (cited by Labcorp Genetics (formerly Invitae), Labcorp and Groupe Hospitalier Pitie Salpetriere, Uf Genomique Du Developpement, Assistance Publique Hopitaux de Paris Sorbonne Université); PubMed 29209020 (cited by Labcorp Genetics (formerly Invitae), Labcorp).

NM_017934.7(PHIP):c.3892C>T (p.Arg1298Ter)

Genes: IRAK1BP1 (interleukin 1 receptor associated kinase 1 binding protein 1; plus strand), PHIP (PHIP subunit of CUL4-Ring ligase complex; minus strand). Cytogenetic location: 6q14.1.
Variant type: single nucleotide variant.
Coding change: c.3892C>T on transcript NM_017934.7 (MANE Select); coding-DNA position 3892, C replaced by T.
Protein change: p.Arg1298Ter; replaces arginine 1298 with a stop codon.
Molecular consequence: nonsense.
Genome position (GRCh38, 1-based): chr6:78,955,243, G>A on the plus strand (C>T on the coding strand, the complement: PHIP is on the minus strand). VCF-style: chr6-78955243-G-A. GRCh37 (hg19) VCF-style: chr6-79664960-G-A.
Other names: short protein forms R1298*.
Identifiers: ClinVar variation 431155 (VCV000431155.8), dbSNP rs759380520, ClinGen allele CA3899577.